The following is an entry in ClinVar:

NM_001374385.1(ATP8B1):c.551G>A (p.Gly184Asp)

Gene: ATP8B1 (ATPase phospholipid transporting 8B1; minus strand). Cytogenetic location: 18q21.31.
Variant type: single nucleotide variant.
Coding change: c.551G>A on transcript NM_001374385.1 (MANE Select); coding-DNA position 551, G replaced by A.
Protein change: p.Gly184Asp; replaces glycine 184 with aspartic acid.
Molecular consequence: missense variant.
Genome position (GRCh38, 1-based): chr18:57,701,042, C>T on the plus strand (G>A on the coding strand, the complement: ATP8B1 is on the minus strand). VCF-style: chr18-57701042-C-T. GRCh37 (hg19) VCF-style: chr18-55368274-C-T.
Other names: c.401G>A, p.Gly134Asp (NM_001374386.1); c.551G>A, p.Gly184Asp (NM_005603.6); short protein forms G134D, G184D.
Identifiers: ClinVar variation 4996090 (VCV004996090.1).

ClinVar aggregate classification (germline): Uncertain significance (1 of 4 stars; one submission).

Conditions:
ATP8B1-related disorder. Also called: ATP8B1-related condition; ATP8B1-related disorders.

Submission:

PreventionGenetics, part of Exact Sciences
Classification: Uncertain significance for ATP8B1-related condition. Last evaluated: 2026-05-22. Review status: criteria provided, single submitter. Criteria: ACMG Guidelines, 2015. Collection method: clinical testing. Allele origin: germline.
Comment: The ATP8B1 c.551G>A variant is predicted to result in the amino acid substitution p.Gly184Asp. To our knowledge, this variant has not been reported in the literature or in a large population database (gnomAD), indicating this variant is rare. At this time, the clinical significance of this variant is uncertain due to the absence of conclusive functional and genetic evidence.